The following is an entry in ClinVar:

NM_012470.4(TNPO3):c.2062-12T>G

Gene: TNPO3 (transportin 3; minus strand). Cytogenetic location: 7q32.1.
Variant type: single nucleotide variant.
Coding change: c.2062-12T>G on transcript NM_012470.4 (MANE Select); 12 bases into the intron before coding-DNA position 2062, T replaced by G.
Molecular consequence: intron variant.
Genome position (GRCh38, 1-based): chr7:128,975,947, A>C on the plus strand (T>G on the coding strand, the complement: TNPO3 is on the minus strand). VCF-style: chr7-128975947-A-C. GRCh37 (hg19) VCF-style: chr7-128616001-A-C.
Other names: c.1918-12T>G (NM_001382221.1); c.1915-12T>G (NM_001382222.1); c.1954-12T>G (NM_001382219.1); c.1870-12T>G (NM_001382223.1, NM_001191028.3); c.1921-12T>G (NM_001382220.1); c.2062-12T>G (NM_001382218.1); c.2164-12T>G (NM_001382216.1); c.2143-12T>G (NM_001382217.1).
Identifiers: ClinVar variation 260261 (VCV000260261.11), dbSNP rs112438598, ClinGen allele CA4477975.

ClinVar aggregate classification (germline): Benign. Review status: criteria provided, multiple submitters, no conflicts (2 of 4 stars). 4 submissions from 4 submitters: Benign (4). Last evaluated 2026-02-03.

Conditions:
Autosomal dominant limb-girdle muscular dystrophy type 1F (LGMDD2). Also called: MUSCULAR DYSTROPHY, LIMB-GIRDLE, AUTOSOMAL DOMINANT 2; Limb-girdle muscular dystrophy, type 1F. Identifiers: Orphanet 55595, MedGen C1842062, MONDO:0012034, OMIM 608423.

Allele frequency attached by ClinVar (database versions not stated): gnomAD exomes 0.02620 and 0.02785; ExAC 0.03026; 1000 Genomes Project 0.06350; gnomAD 0.06498 and 0.06913; 1000 Genomes Project 30x 0.06605; TOPMed 0.06723; ESP Exome Variant Server 0.06835.
gnomAD v4.1: 47,092 of 1,571,134 alleles (3%); highest among the groups gnomAD compares: African/African-American, 17%; 1,569 homozygotes.

Submissions (40):

Labcorp Genetics (formerly Invitae), Labcorp
Classification: Benign for Autosomal dominant limb-girdle muscular dystrophy type 1F. Last evaluated: 2026-02-03. Review status: criteria provided, single submitter. Criteria: Invitae Variant Classification Sherloc (09022015). Collection method: clinical testing. Allele origin: germline.

GeneDx
Classification: Benign. Last evaluated: 2016-02-23. Review status: criteria provided, single submitter. Criteria: GeneDx Variant Classification (06012015). Collection method: clinical testing. Allele origin: germline. Affected: yes.
Comment: This variant is considered likely benign or benign based on one or more of the following criteria: it is a conservative change, it occurs at a poorly conserved position in the protein, it is predicted to be benign by multiple in silico algorithms, and/or has population frequency not consistent with disease.

Breakthrough Genomics
Classification: Benign. Review status: criteria provided, single submitter. Criteria: ACMG Guidelines, 2015. Collection method: not provided. Allele origin: germline. Inheritance: Autosomal dominant inheritance. Affected: yes.

PreventionGenetics, part of Exact Sciences
Classification: Benign. Review status: criteria provided, single submitter. Criteria: ACMG Guidelines, 2015. Collection method: clinical testing. Allele origin: germline.

Dr. Peter K. Rogan Lab, Western University
No classification provided (evidence only). Condition: Lung cancer. Review status: no classification provided. Collection method: in vitro. Allele origin: not applicable. Functional consequence: retained intron. Not counted in ClinVar's aggregate classification.

Dr. Peter K. Rogan Lab, Western University
No classification provided (evidence only). Condition: Lung cancer. Review status: no classification provided. Collection method: in vitro. Allele origin: not applicable. Functional consequence: retained intron. Not counted in ClinVar's aggregate classification.

Dr. Peter K. Rogan Lab, Western University
No classification provided (evidence only). Condition: Lung cancer. Review status: no classification provided. Collection method: in vitro. Allele origin: not applicable. Functional consequence: retained intron. Not counted in ClinVar's aggregate classification.

Dr. Peter K. Rogan Lab, Western University
No classification provided (evidence only). Condition: Acute myeloid leukemia. Review status: no classification provided. Collection method: in vitro. Allele origin: not applicable. Functional consequence: retained intron. Not counted in ClinVar's aggregate classification.

Dr. Peter K. Rogan Lab, Western University
No classification provided (evidence only). Condition: Acute myeloid leukemia. Review status: no classification provided. Collection method: in vitro. Allele origin: not applicable. Functional consequence: retained intron. Not counted in ClinVar's aggregate classification.

Dr. Peter K. Rogan Lab, Western University
No classification provided (evidence only). Condition: Acute myeloid leukemia. Review status: no classification provided. Collection method: in vitro. Allele origin: not applicable. Functional consequence: retained intron. Not counted in ClinVar's aggregate classification.

Dr. Peter K. Rogan Lab, Western University
No classification provided (evidence only). Condition: Acute myeloid leukemia. Review status: no classification provided. Collection method: in vitro. Allele origin: not applicable. Functional consequence: retained intron. Not counted in ClinVar's aggregate classification.

Dr. Peter K. Rogan Lab, Western University
No classification provided (evidence only). Condition: Acute myeloid leukemia. Review status: no classification provided. Collection method: in vitro. Allele origin: not applicable. Functional consequence: retained intron. Not counted in ClinVar's aggregate classification.

Dr. Peter K. Rogan Lab, Western University
No classification provided (evidence only). Condition: Acute myeloid leukemia. Review status: no classification provided. Collection method: in vitro. Allele origin: not applicable. Functional consequence: retained intron. Not counted in ClinVar's aggregate classification.

Dr. Peter K. Rogan Lab, Western University
No classification provided (evidence only). Condition: Acute myeloid leukemia. Review status: no classification provided. Collection method: in vitro. Allele origin: not applicable. Functional consequence: retained intron. Not counted in ClinVar's aggregate classification.

Dr. Peter K. Rogan Lab, Western University
No classification provided (evidence only). Condition: Acute myeloid leukemia. Review status: no classification provided. Collection method: in vitro. Allele origin: not applicable. Functional consequence: retained intron. Not counted in ClinVar's aggregate classification.

Dr. Peter K. Rogan Lab, Western University
No classification provided (evidence only). Condition: Acute myeloid leukemia. Review status: no classification provided. Collection method: in vitro. Allele origin: not applicable. Functional consequence: retained intron. Not counted in ClinVar's aggregate classification.

Dr. Peter K. Rogan Lab, Western University
No classification provided (evidence only). Condition: Acute myeloid leukemia. Review status: no classification provided. Collection method: in vitro. Allele origin: not applicable. Functional consequence: retained intron. Not counted in ClinVar's aggregate classification.

Dr. Peter K. Rogan Lab, Western University
No classification provided (evidence only). Condition: Uterine corpus endometrial carcinoma. Review status: no classification provided. Collection method: in vitro. Allele origin: not applicable. Functional consequence: retained intron. Not counted in ClinVar's aggregate classification.

Dr. Peter K. Rogan Lab, Western University
No classification provided (evidence only). Condition: Sarcoma. Review status: no classification provided. Collection method: in vitro. Allele origin: not applicable. Functional consequence: retained intron. Not counted in ClinVar's aggregate classification.

Dr. Peter K. Rogan Lab, Western University
No classification provided (evidence only). Condition: Sarcoma. Review status: no classification provided. Collection method: in vitro. Allele origin: not applicable. Functional consequence: retained intron. Not counted in ClinVar's aggregate classification.

Dr. Peter K. Rogan Lab, Western University
No classification provided (evidence only). Condition: Sarcoma. Review status: no classification provided. Collection method: in vitro. Allele origin: not applicable. Functional consequence: retained intron. Not counted in ClinVar's aggregate classification.

Dr. Peter K. Rogan Lab, Western University
No classification provided (evidence only). Condition: Ovarian serous cystadenocarcinoma. Review status: no classification provided. Collection method: in vitro. Allele origin: not applicable. Functional consequence: retained intron. Not counted in ClinVar's aggregate classification.

Dr. Peter K. Rogan Lab, Western University
No classification provided (evidence only). Condition: Ovarian serous cystadenocarcinoma. Review status: no classification provided. Collection method: in vitro. Allele origin: not applicable. Functional consequence: retained intron. Not counted in ClinVar's aggregate classification.

Dr. Peter K. Rogan Lab, Western University
No classification provided (evidence only). Condition: Ovarian serous cystadenocarcinoma. Review status: no classification provided. Collection method: in vitro. Allele origin: not applicable. Functional consequence: retained intron. Not counted in ClinVar's aggregate classification.

Dr. Peter K. Rogan Lab, Western University
No classification provided (evidence only). Condition: Gastric cancer. Review status: no classification provided. Collection method: in vitro. Allele origin: not applicable. Functional consequence: retained intron. Not counted in ClinVar's aggregate classification.

Dr. Peter K. Rogan Lab, Western University
No classification provided (evidence only). Condition: Gastric cancer. Review status: no classification provided. Collection method: in vitro. Allele origin: not applicable. Functional consequence: retained intron. Not counted in ClinVar's aggregate classification.

Dr. Peter K. Rogan Lab, Western University
No classification provided (evidence only). Condition: Gastric cancer. Review status: no classification provided. Collection method: in vitro. Allele origin: not applicable. Functional consequence: retained intron. Not counted in ClinVar's aggregate classification.

Dr. Peter K. Rogan Lab, Western University
No classification provided (evidence only). Condition: Gastric cancer. Review status: no classification provided. Collection method: in vitro. Allele origin: not applicable. Functional consequence: retained intron. Not counted in ClinVar's aggregate classification.

Dr. Peter K. Rogan Lab, Western University
No classification provided (evidence only). Condition: Uveal melanoma. Review status: no classification provided. Collection method: in vitro. Allele origin: not applicable. Functional consequence: retained intron. Not counted in ClinVar's aggregate classification.

Dr. Peter K. Rogan Lab, Western University
No classification provided (evidence only). Condition: Malignant tumor of esophagus. Review status: no classification provided. Collection method: in vitro. Allele origin: not applicable. Functional consequence: retained intron. Not counted in ClinVar's aggregate classification.

Dr. Peter K. Rogan Lab, Western University
No classification provided (evidence only). Condition: Malignant tumor of esophagus. Review status: no classification provided. Collection method: in vitro. Allele origin: not applicable. Functional consequence: retained intron. Not counted in ClinVar's aggregate classification.

Dr. Peter K. Rogan Lab, Western University
No classification provided (evidence only). Condition: Malignant tumor of esophagus. Review status: no classification provided. Collection method: in vitro. Allele origin: not applicable. Functional consequence: retained intron. Not counted in ClinVar's aggregate classification.

Dr. Peter K. Rogan Lab, Western University
No classification provided (evidence only). Condition: Malignant tumor of esophagus. Review status: no classification provided. Collection method: in vitro. Allele origin: not applicable. Functional consequence: retained intron. Not counted in ClinVar's aggregate classification.

Dr. Peter K. Rogan Lab, Western University
No classification provided (evidence only). Condition: Chronic lymphocytic leukemia/small lymphocytic lymphoma. Review status: no classification provided. Collection method: in vitro. Allele origin: not applicable. Functional consequence: retained intron. Not counted in ClinVar's aggregate classification.

Dr. Peter K. Rogan Lab, Western University
No classification provided (evidence only). Condition: Nonpapillary renal cell carcinoma. Review status: no classification provided. Collection method: in vitro. Allele origin: not applicable. Functional consequence: retained intron. Not counted in ClinVar's aggregate classification.

Dr. Peter K. Rogan Lab, Western University
No classification provided (evidence only). Condition: Nonpapillary renal cell carcinoma. Review status: no classification provided. Collection method: in vitro. Allele origin: not applicable. Functional consequence: retained intron. Not counted in ClinVar's aggregate classification.

Dr. Peter K. Rogan Lab, Western University
No classification provided (evidence only). Condition: Familial pancreatic carcinoma. Review status: no classification provided. Collection method: in vitro. Allele origin: not applicable. Functional consequence: retained intron. Not counted in ClinVar's aggregate classification.

Dr. Peter K. Rogan Lab, Western University
No classification provided (evidence only). Condition: Lymphoma. Review status: no classification provided. Collection method: in vitro. Allele origin: not applicable. Functional consequence: retained intron. Not counted in ClinVar's aggregate classification.

Dr. Peter K. Rogan Lab, Western University
No classification provided (evidence only). Condition: Ovarian cancer. Review status: no classification provided. Collection method: in vitro. Allele origin: not applicable. Functional consequence: retained intron. Not counted in ClinVar's aggregate classification.

Dr. Peter K. Rogan Lab, Western University
No classification provided (evidence only). Condition: Ovarian cancer. Review status: no classification provided. Collection method: in vitro. Allele origin: not applicable. Functional consequence: retained intron. Not counted in ClinVar's aggregate classification.